The following is an entry in ClinVar:

ClinVar aggregate classification (germline): Benign/Likely benign. Review status: criteria provided, multiple submitters, no conflicts (2 of 4 stars). 8 submissions from 8 submitters: Benign (4); Likely benign (2). 2 of the submissions do not count toward it. Last evaluated 2026-01-28.

Conditions:
CPS1-related disorder. Also called: CPS1-related condition.
Congenital hyperammonemia, type I. Also called: Carbamoyl phosphate synthetase 1 deficiency; Hyperammonemia due to carbamoyl phosphate synthetase 1 deficiency; CPS 1 deficiency; Carbamyl phosphate synthetase (CPS) deficiency; Carbamoyl phosphate synthetase I deficiency disease; CPS I DEFICIENCY. Identifiers: Orphanet 147, MedGen C4082171, MONDO:0009376, OMIM 237300.

Allele frequency attached by ClinVar (database versions not stated): gnomAD exomes 0.00037 and 0.00092; ExAC 0.00114; ESP Exome Variant Server 0.00361; gnomAD 0.00379 and 0.00412; 1000 Genomes Project 0.00419; TOPMed 0.00431; 1000 Genomes Project 30x 0.00437.
gnomAD v4.1: 1,122 of 1,613,998 alleles (0.07%); highest among the groups gnomAD compares: African/African-American, 1.3%; 8 homozygotes.

Submissions (8):

Labcorp Genetics (formerly Invitae), Labcorp
Classification: Benign for Congenital hyperammonemia, type I. Last evaluated: 2026-01-28. Review status: criteria provided, single submitter. Criteria: Invitae Variant Classification Sherloc (09022015). Collection method: clinical testing. Allele origin: germline.

CeGaT Center for Human Genetics Tuebingen
Classification: Likely benign. Last evaluated: 2025-03-01. Review status: criteria provided, single submitter. Criteria: CeGaT Center For Human Genetics Tuebingen Variant Classification Criteria Version 2. Collection method: clinical testing. Allele origin: germline. Affected: yes. Observed: 1 variant allele.
Comment: CPS1: BS1

Blueprint Genetics
Classification: Likely benign. Last evaluated: 2024-11-26. Review status: criteria provided, single submitter. Criteria: ACMG Guidelines, 2015. Collection method: clinical testing. Allele origin: germline.

GeneDx
Classification: Benign. Last evaluated: 2021-01-20. Review status: criteria provided, single submitter. Criteria: GeneDx Variant Classification Process June 2021. Collection method: clinical testing. Allele origin: germline. Affected: yes.

Illumina Laboratory Services, Illumina
Classification: Benign for Congenital hyperammonemia, type I. Last evaluated: 2018-01-12. Review status: criteria provided, single submitter. Criteria: ICSL Variant Classification Criteria 13 December 2019. Collection method: clinical testing. Allele origin: germline.
Comment: This variant was observed in the ICSL laboratory as part of a predisposition screen in an ostensibly healthy population. It had not been previously curated by ICSL or reported in the Human Gene Mutation Database (HGMD: prior to June 1st, 2018), and was therefore a candidate for classification through an automated scoring system. Utilizing variant allele frequency, disease prevalence and penetrance estimates, and inheritance mode, an automated score was calculated to assess if this variant is too frequent to cause the disease. Based on the score and internal cut-off values, a variant classified as benign is not then subjected to further curation. The score for this variant resulted in a classification of benign for this disease.

Breakthrough Genomics
Classification: Benign. Review status: criteria provided, single submitter. Criteria: ACMG Guidelines, 2015. Collection method: not provided. Allele origin: germline. Inheritance: Autosomal recessive inheritance. Affected: yes.

Natera, Inc.
Classification: Benign for Carbamoyl-phosphate synthase I deficiency. Last evaluated: 2019-11-11. Review status: no assertion criteria provided. Collection method: clinical testing. Allele origin: germline. Not counted in ClinVar's aggregate classification.

PreventionGenetics, part of Exact Sciences
Classification: Benign for CPS1-related condition. Last evaluated: 2019-11-06. Review status: no assertion criteria provided. Collection method: clinical testing. Allele origin: germline. Not counted in ClinVar's aggregate classification.
Comment: This variant is classified as benign based on ACMG/AMP sequence variant interpretation guidelines (Richards et al. 2015 PMID: 25741868, with internal and published modifications).

NM_001875.5(CPS1):c.3687G>T (p.Lys1229Asn)

Gene: CPS1 (carbamoyl-phosphate synthase 1; plus strand). Cytogenetic location: 2q34.
Variant type: single nucleotide variant.
Coding change: c.3687G>T on transcript NM_001875.5 (MANE Select); coding-DNA position 3687, G replaced by T.
Protein change: p.Lys1229Asn; replaces lysine 1229 with asparagine.
Molecular consequence: missense variant. On other transcripts: non-coding transcript variant (2).
Genome position (GRCh38, 1-based): chr2:210,658,619, G>T. VCF-style: chr2-210658619-G-T. GRCh37 (hg19) VCF-style: chr2-211523343-G-T.
Other names: c.3687G>T, p.Lys1229Asn (NM_001122633.3, NM_001369257.1); c.3720G>T, p.Lys1240Asn (NM_001369256.1); short protein forms K1229N, K1240N.
Identifiers: ClinVar variation 677597 (VCV000677597.29), dbSNP rs115897023, ClinGen allele CA2087050.
Genomic context (GRCh38, chr2:210,658,619, plus strand): 5'-TGCTCTTTAGCACACTATACGATTATGCTTTTTAATTCAGGTGAAGGATGCTACCCGGAA[G>T]ATTGCAAAGGCTTTTGCCATCTCTGGTCCATTCAACGTCCAATTTCTTGTCAAAGGAAAT-3'
Protein context (NP_001866.2, residues 1219-1239): AIEKVKDATR[Lys1229Asn]IAKAFAISGP